The following is an entry in ClinVar:

ClinVar aggregate classification (germline): Conflicting classifications of pathogenicity. Review status: criteria provided, conflicting classifications (1 of 4 stars). 25 submissions from 25 submitters: Uncertain significance (1); Benign (5); Likely benign (13). 6 of the submissions do not count toward it. Last evaluated 2026-09-01.

Conditions:
Breast and/or ovarian cancer. Identifiers: MedGen CN221562.
Hereditary cancer-predisposing syndrome. Also called: Neoplastic Syndromes, Hereditary; Tumor predisposition; Hereditary neoplastic syndrome; Hereditary Cancer Syndrome. Identifiers: Orphanet 140162, MedGen C0027672, MeSH D009386, MONDO:0015356.
Ataxia-telangiectasia syndrome (AT). Also called: Ataxia-telangiectasia, complementation group D; AT, COMPLEMENTATION GROUP C; Ataxia telangiectasia (A-T); LOUIS-BAR SYNDROME; Cerebello-oculocutaneous telangiectasia; Immunodeficiency with ataxia telangiectasia. Identifiers: Orphanet 100, MedGen C0004135, MONDO:0008840, OMIM 208900.
Familial cancer of breast. Also called: Hereditary breast cancer; hereditary breast carcinoma; BREAST CANCER, FAMILIAL. Identifiers: Orphanet 227535, MedGen C0346153, MONDO:0016419, OMIM 114480. Disease mechanism: loss of function.
Malignant tumor of breast. Also called: Malignant breast neoplasm; Cancer breast. Identifiers: MedGen C0006142, MONDO:0007254. Disease mechanism: loss of function.

Allele frequency attached by ClinVar (database versions not stated): gnomAD 0.00019; gnomAD exomes 0.00023 and 0.00030; TOPMed 0.00027; ExAC 0.00030; ESP Exome Variant Server 0.00038.
gnomAD v4.1: 387 of 1,610,944 alleles (0.024%); highest among the groups gnomAD compares: Middle Eastern, 0.59%; no homozygotes.

Submissions (25):

CeGaT Center for Human Genetics Tuebingen
Classification: Likely benign. Last evaluated: 2026-09-01. Review status: criteria provided, single submitter. Criteria: CeGaT Center For Human Genetics Tuebingen Variant Classification Criteria Version 2. Collection method: clinical testing. Allele origin: germline. Affected: yes. Observed: 8 variant alleles.
Comment: ATM: BP4

Labcorp Genetics (formerly Invitae), Labcorp
Classification: Benign for Ataxia-telangiectasia syndrome. Last evaluated: 2026-02-04. Review status: criteria provided, single submitter. Criteria: Invitae Variant Classification Sherloc (09022015). Collection method: clinical testing. Allele origin: germline.

Center for Genomic Medicine, Rigshospitalet, Copenhagen University Hospital
Classification: Likely benign. Last evaluated: 2025-03-04. Review status: criteria provided, single submitter. Criteria: ACMG Guidelines, 2015. Collection method: clinical testing. Allele origin: germline.

Molecular Diagnostics Laboratory, Catalan Institute of Oncology
Classification: Likely benign for Hereditary cancer-predisposing syndrome. Last evaluated: 2025-01-13. Review status: criteria provided, single submitter. Criteria: ClinGen ACMG Specifications ATM V1.1.0. Collection method: clinical testing. Allele origin: germline.
Comment: BP4, BP7 c.1272T>C located in exon 10 of the ATM gene is predicted to result in no amino acid change, p.(Pro424=)(BP7). This variant is found in 53/117588, with a filter allele frequency of 0.035% at 99% confidence in the gnomAD v2.1.1 database (European non-Finnish non-cancer data set). The SpliceAI algorithm predicts no significant impact on splicing (BP4). To our knowledge, functional studies have not been reported for this variant. In addition, the variant was also identified in the ClinVar database (6x benign, 15x likely benign, 1x uncertain significance) and in the LOVD database (5x likely benign). Based on currently available information, the variant c.1272T>C is classified as a likely benign variant according to ClinGen-ATM Guidelines version 1.1.

Blueprint Genetics
Classification: Likely benign. Last evaluated: 2024-11-13. Review status: criteria provided, single submitter. Criteria: ACMG Guidelines, 2015. Collection method: clinical testing. Allele origin: germline.

ARUP Laboratories, Molecular Genetics and Genomics, ARUP Laboratories
Classification: Likely benign. Last evaluated: 2024-08-16. Review status: criteria provided, single submitter. Criteria: ARUP Molecular Germline Variant Investigation Process 2024. Collection method: clinical testing. Allele origin: germline.

Athena Diagnostics
Classification: Benign. Last evaluated: 2024-05-14. Review status: criteria provided, single submitter. Criteria: Athena Diagnostics Criteria. Collection method: clinical testing. Allele origin: unknown.

Myriad Genetics, Inc.
Classification: Benign for Familial cancer of breast. Last evaluated: 2024-04-26. Review status: criteria provided, single submitter. Criteria: Myriad Autosomal Dominant, Autosomal Recessive and X-Linked Classification Criteria (2023). Collection method: clinical testing. Allele origin: unknown.
Comment: This variant is considered benign. This variant is a silent/synonymous amino acid change and it is not expected to impact splicing.

CHEO Genetics Diagnostic Laboratory, Children's Hospital of Eastern Ontario
Classification: Likely benign for Breast and/or ovarian cancer. Last evaluated: 2023-06-12. Review status: criteria provided, single submitter. Criteria: ACMG Guidelines, 2015. Collection method: clinical testing. Allele origin: germline.

Genetic Services Laboratory, University of Chicago
Classification: Likely benign. Last evaluated: 2021-07-29. Review status: criteria provided, single submitter. Criteria: ACMG Guidelines, 2015. Collection method: clinical testing. Allele origin: germline. Affected: no.

Sema4
Classification: Likely benign for Hereditary cancer-predisposing syndrome. Last evaluated: 2021-03-15. Review status: criteria provided, single submitter. Criteria: Sema4 Curation Guidelines. Collection method: curation. Allele origin: germline.

Quest Diagnostics Nichols Institute San Juan Capistrano
Classification: Benign. Last evaluated: 2020-03-18. Review status: criteria provided, single submitter. Criteria: Quest Diagnostics criteria. Collection method: clinical testing. Allele origin: unknown.

Mendelics
Classification: Likely benign for Ataxia-telangiectasia syndrome. Last evaluated: 2019-05-28. Review status: criteria provided, single submitter. Criteria: Mendelics Assertion Criteria 2017. Collection method: clinical testing. Allele origin: unknown.

Women's Health and Genetics/Laboratory Corporation of America, LabCorp
Classification: Likely benign. Last evaluated: 2018-11-12. Review status: criteria provided, single submitter. Criteria: LabCorp Variant Classification Summary - May 2015. Collection method: clinical testing. Allele origin: germline.
Comment: Variant summary: ATM c.1272T>C alters a non-conserved nucleotide resulting in a synonymous change. 5/5 computational tools predict no significant impact on normal splicing. However, these predictions have yet to be confirmed by functional studies. The variant allele was found at a frequency of 0.00028 in 274872 control chromosomes (gnomAD). This frequency is not significantly higher than expected for a pathogenic variant in ATM causing Ataxia-Telangiectasia (0.00028 vs 0.004), allowing no conclusion about variant significance. c.1272T>C has been reported in the literature in an individual affected with Breast Cancer (Bernstein 2010), however this report does not provide unequivocal conclusions about association of the variant with Ataxia-Telangiectasia. In addition, the variant was reported in 4 / 7325 European American women, who were older than 70 years of age, and never had cancer (in the FLOSSIES database). To our knowledge, no experimental evidence demonstrating an impact on protein function has been reported. Four other clinical diagnostic laboratories have submitted clinical-significance assessments for this variant to ClinVar after 2014 without evidence for independent evaluation (1 classifying the variant as benign, 2 calling it likely benign, and one as a VUS). Based on the evidence outlined above, the variant was classified as likely benign.

Illumina Laboratory Services, Illumina
Classification: Uncertain significance for Ataxia-telangiectasia syndrome. Last evaluated: 2018-01-13. Review status: criteria provided, single submitter. Criteria: ICSL Variant Classification Criteria 13 December 2019. Collection method: clinical testing. Allele origin: germline.

PreventionGenetics, part of Exact Sciences
Classification: Likely benign. Last evaluated: 2016-12-30. Review status: criteria provided, single submitter. Criteria: ACMG Guidelines, 2015. Collection method: clinical testing. Allele origin: germline.

Color Diagnostics, LLC DBA Color Health
Classification: Likely benign for Hereditary cancer-predisposing syndrome. Last evaluated: 2015-07-16. Review status: criteria provided, single submitter. Criteria: ACMG Guidelines, 2015. Collection method: clinical testing. Allele origin: germline.

GeneDx
Classification: Benign. Last evaluated: 2014-09-28. Review status: criteria provided, single submitter. Criteria: GeneDx Variant Classification (06012015). Collection method: clinical testing. Allele origin: germline. Affected: yes.
Comment: This variant is considered likely benign or benign based on one or more of the following criteria: it is a conservative change, it occurs at a poorly conserved position in the protein, it is predicted to be benign by multiple in silico algorithms, and/or has population frequency not consistent with disease.

Ambry Genetics
Classification: Likely benign for Hereditary cancer-predisposing syndrome. Last evaluated: 2014-07-08. Review status: criteria provided, single submitter. Criteria: Ambry Variant Classification Scheme 2023. Collection method: clinical testing. Allele origin: germline.

Natera, Inc.
Classification: Likely benign for Ataxia-telangiectasia. Last evaluated: 2020-01-10. Review status: no assertion criteria provided. Collection method: clinical testing. Allele origin: germline. Not counted in ClinVar's aggregate classification.

Clinical Genetics DNA and cytogenetics Diagnostics Lab, Erasmus MC, Erasmus Medical Center
Classification: Likely benign. Review status: no assertion criteria provided. Collection method: clinical testing. Allele origin: germline. Affected: yes. Study: VKGL Data-share Consensus. Not counted in ClinVar's aggregate classification.

Clinical Genetics Laboratory, Department of Pathology, Netherlands Cancer Institute
Classification: Likely benign. Review status: no assertion criteria provided. Collection method: clinical testing. Allele origin: germline. Affected: yes. Study: VKGL Data-share Consensus. Not counted in ClinVar's aggregate classification.

Department of Pathology and Laboratory Medicine, Sinai Health System
Classification: Benign for Malignant tumor of breast. Review status: no assertion criteria provided. Collection method: clinical testing. Allele origin: unknown. Affected: yes. Observed: 1 variant allele. Study: The Canadian Open Genetics Repository (COGR). Not counted in ClinVar's aggregate classification.
Comment: The ATM p.Pro424Pro variant was not identified in the literature nor was it identified in the Genesight-COGR, Cosmic, and LOVD 3.0 databases. The variant was identified in dbSNP (ID: rs35578748) â€šÃ„ÃºWith other alleleâ€šÃ„Ã¹, ClinVar (with conflicting interpretations of pathogenicity; submitters: benign by Invitae, GeneDx; likely benign by Ambry Genetics, Color Genomics; and uncertain significance by Illumina), Clinvitae (3x), and in control databases in 76 of 274872 chromosomes at a frequency of 0.0003 increasing the likelihood this could be a low frequency benign variant (Genome Aggregation Consortium Feb 27, 2017), being identified in the following populations: African in 1 of 23952 chromosomes (frequency: 0.00004), Other in 3 of 6438 chromosomes (frequency: 0.0004), Latino in 5 of 34362 chromosomes (frequency: 0.0001), European Non-Finnish in 54 of 126046 chromosomes (frequency: 0.0004), Ashkenazi Jewish in 4 of 10126 chromosomes (frequency: 0.0004), and South Asian in 9 of 30698 chromosomes (frequency: 0.0003). In addition, the p.Pro424= variant is not expected to have clinical significance because it does not result in a change of amino acid and is not located in a known consensus splice site. In addition, in silico or computational prediction software programs (SpliceSiteFinder, MaxEntScan, NNSPLICE, GeneSplicer, HumanSpliceFinder) do not predict a difference in splicing. In summary, based on the above information this variant meets our laboratory's criteria to be classified as benign.

Genome Diagnostics Laboratory, Amsterdam University Medical Center
Classification: Likely benign. Review status: no assertion criteria provided. Collection method: clinical testing. Allele origin: germline. Affected: yes. Study: VKGL Data-share Consensus. Not counted in ClinVar's aggregate classification.

Joint Genome Diagnostic Labs from Nijmegen and Maastricht, Radboudumc and MUMC+
Classification: Likely benign. Review status: no assertion criteria provided. Collection method: clinical testing. Allele origin: germline. Affected: yes. Study: VKGL Data-share Consensus. Not counted in ClinVar's aggregate classification.

Literature cited by the submitters: PubMed 20305132 (cited by 3 submitters); PubMed 28779002 (cited by Athena Diagnostics and Quest Diagnostics Nichols Institute San Juan Capistrano); PubMed 34299313 (cited by Athena Diagnostics); PubMed 30306255 (cited by Athena Diagnostics).

NM_000051.4(ATM):c.1272T>C (p.Pro424=)

Gene: ATM (ATM serine/threonine kinase; plus strand). Cytogenetic location: 11q22.3.
Variant type: single nucleotide variant.
Coding change: c.1272T>C on transcript NM_000051.4 (MANE Select); coding-DNA position 1272, T replaced by C.
Protein change: p.Pro424=; no amino-acid change (proline 424 retained).
Molecular consequence: synonymous variant.
Genome position (GRCh38, 1-based): chr11:108,250,737, T>C. VCF-style: chr11-108250737-T-C. GRCh37 (hg19) VCF-style: chr11-108121464-T-C.
Other names: p.P424P:CCT>CCC; c.1272T>C, p.Pro424= (NM_001351834.2).
Identifiers: ClinVar variation 135732 (VCV000135732.84), dbSNP rs35578748, ClinGen allele CA297982.
Genomic context (GRCh38, chr11:108,250,737, plus strand): 5'-ATTATCCTTTTTTTTTTTTTTTAGGCTACAGATTGCAACCCAATTAATATCAAAGTATCC[T>C]GCAAGTTTACCTAACTGTGAGCTGTCTCCATTACTGATGATACTATCTCAGCTTCTACCC-3'
Protein context (NP_000042.3, residues 414-434): QIATQLISKY[Pro424=]ASLPNCELSP